The following is an entry in ClinVar:

NM_005228.5(EGFR):c.103A>T (p.Ser35Cys)

Gene: EGFR (epidermal growth factor receptor; plus strand). Cytogenetic location: 7p11.2.
Variant type: single nucleotide variant.
Coding change: c.103A>T on transcript NM_005228.5 (MANE Select); coding-DNA position 103, A replaced by T.
Protein change: p.Ser35Cys; replaces serine 35 with cysteine.
Molecular consequence: missense variant. On other transcripts: 5 prime UTR variant (1), intron variant (1).
Genome position (GRCh38, 1-based): chr7:55,142,300, A>T. VCF-style: chr7-55142300-A-T. GRCh37 (hg19) VCF-style: chr7-55209993-A-T.
Other names: c.103A>T, p.Ser35Cys (NM_001346897.2, NM_001346898.2, NM_001346899.2 and 3 more transcripts); c.-57A>T (NM_001346900.2); c.89-13530A>T (NM_001346941.2); short protein forms S35C.
Identifiers: ClinVar variation 3661424 (VCV003661424.3).

ClinVar aggregate classification (germline): Uncertain significance. Review status: criteria provided, multiple submitters, no conflicts (2 of 4 stars). 2 submissions from 2 submitters: Uncertain significance (2). Last evaluated 2026-01-08.

Conditions:
Hereditary cancer-predisposing syndrome. Also called: Hereditary Cancer Syndrome; Neoplastic Syndromes, Hereditary; Tumor predisposition; Hereditary neoplastic syndrome. Identifiers: Orphanet 140162, MedGen C0027672, MeSH D009386, MONDO:0015356.
EGFR-related lung cancer (EGFR). Identifiers: MedGen CN130014.

Submissions (2):

Ambry Genetics
Classification: Uncertain significance for Hereditary cancer-predisposing syndrome. Last evaluated: 2026-01-08. Review status: criteria provided, single submitter. Criteria: Ambry Variant Classification Scheme 2023. Collection method: clinical testing. Allele origin: germline.
Comment: The p.S35C variant (also known as c.103A>T), located in coding exon 2 of the EGFR gene, results from an A to T substitution at nucleotide position 103. The serine at codon 35 is replaced by cysteine, an amino acid with dissimilar properties. This amino acid position is not well conserved in available vertebrate species. In addition, the in silico prediction for this alteration is inconclusive. Based on the available evidence, the clinical significance of this variant remains unclear.

Labcorp Genetics (formerly Invitae), Labcorp
Classification: Uncertain significance for EGFR-related lung cancer. Last evaluated: 2024-08-05. Review status: criteria provided, single submitter. Criteria: Invitae Variant Classification Sherloc (09022015). Collection method: clinical testing. Allele origin: germline.
Comment: This sequence change replaces serine, which is neutral and polar, with cysteine, which is neutral and slightly polar, at codon 35 of the EGFR protein (p.Ser35Cys). This variant is not present in population databases (gnomAD no frequency). This variant has not been reported in the literature in individuals affected with EGFR-related conditions. An algorithm developed to predict the effect of missense changes on protein structure and function (PolyPhen-2) suggests that this variant is likely to be disruptive. In summary, the available evidence is currently insufficient to determine the role of this variant in disease. Therefore, it has been classified as a Variant of Uncertain Significance.